The following is an entry in ClinVar:

ClinVar aggregate classification (germline): Likely benign (0 of 4 stars; one submission).

Conditions:
MED13-related disorder. Also called: MED13-related condition.

Allele frequency attached by ClinVar (database versions not stated): ESP Exome Variant Server 0.00008; ExAC 0.00010; 1000 Genomes Project 30x 0.00016; TOPMed 0.00018; gnomAD 0.00019; gnomAD exomes 0.00036.
gnomAD v4.1: 538 of 1,613,910 alleles (0.033%); highest among the groups gnomAD compares: Non-Finnish European, 0.044%; no homozygotes.

Submission:

PreventionGenetics, part of Exact Sciences
Classification: Likely benign for MED13-related condition. Last evaluated: 2022-12-29. Review status: no assertion criteria provided. Collection method: clinical testing. Allele origin: germline.
Comment: This variant is classified as likely benign based on ACMG/AMP sequence variant interpretation guidelines (Richards et al. 2015 PMID: 25741868, with internal and published modifications).

NM_005121.3(MED13):c.5400A>G (p.Gln1800=)

Gene: MED13 (mediator complex subunit 13; minus strand). Cytogenetic location: 17q23.2.
Variant type: single nucleotide variant.
Coding change: c.5400A>G on transcript NM_005121.3 (MANE Select); coding-DNA position 5400, A replaced by G.
Protein change: p.Gln1800=; no amino-acid change (glutamine 1800 retained).
Molecular consequence: synonymous variant.
Genome position (GRCh38, 1-based): chr17:61,960,947, T>C on the plus strand (A>G on the coding strand, the complement: MED13 is on the minus strand). VCF-style: chr17-61960947-T-C. GRCh37 (hg19) VCF-style: chr17-60038308-T-C.
Identifiers: ClinVar variation 3054179 (VCV003054179.2), dbSNP rs200996818, ClinGen allele CA8692172.